The following is an entry in ClinVar:

NM_058216.3(RAD51C):c.332T>C (p.Leu111Pro)

Gene: RAD51C (RAD51 paralog C; plus strand). Cytogenetic location: 17q22.
Variant type: single nucleotide variant.
Coding change: c.332T>C on transcript NM_058216.3 (MANE Select); coding-DNA position 332, T replaced by C.
Protein change: p.Leu111Pro; replaces leucine 111 with proline.
Molecular consequence: missense variant. On other transcripts: non-coding transcript variant (2).
Genome position (GRCh38, 1-based): chr17:58,695,117, T>C. VCF-style: chr17-58695117-T-C. GRCh37 (hg19) VCF-style: chr17-56772478-T-C.
Other names: c.332T>C, p.Leu111Pro (NM_002876.4, NM_058217.1); short protein forms L111P.
Identifiers: ClinVar variation 1730304 (VCV001730304.8), dbSNP rs2143724912, ClinGen allele CA400341373.

ClinVar aggregate classification (germline): Conflicting classifications of pathogenicity. Review status: criteria provided, conflicting classifications (1 of 4 stars). 2 submissions from 2 submitters: Likely pathogenic (1); Uncertain significance (1). Last evaluated 2025-11-05.

Conditions:
Fanconi anemia complementation group O. Also called: RAD51C-Related Fanconi Anemia. Identifiers: Orphanet 84, MedGen C3150653, MONDO:0013248, OMIM 613390.
Hereditary cancer-predisposing syndrome. Also called: Neoplastic Syndromes, Hereditary; Tumor predisposition; Hereditary Cancer Syndrome; Hereditary neoplastic syndrome. Identifiers: Orphanet 140162, MedGen C0027672, MeSH D009386, MONDO:0015356.

Submissions (2):

Labcorp Genetics (formerly Invitae), Labcorp
Classification: Uncertain significance for Fanconi anemia complementation group O. Last evaluated: 2025-11-05. Review status: criteria provided, single submitter. Criteria: Invitae Variant Classification Sherloc (09022015). Collection method: clinical testing. Allele origin: germline.
Comment: This sequence change replaces leucine, which is neutral and non-polar, with proline, which is neutral and non-polar, at codon 111 of the RAD51C protein (p.Leu111Pro). This variant is not present in population databases (gnomAD no frequency). This variant has not been reported in the literature in individuals affected with RAD51C-related conditions. ClinVar contains an entry for this variant (Variation ID: 1730304). Invitae Evidence Modeling of protein sequence and biophysical properties (such as structural, functional, and spatial information, amino acid conservation, physicochemical variation, residue mobility, and thermodynamic stability) indicates that this missense variant is expected to disrupt RAD51C protein function with a positive predictive value of 80%. In summary, the available evidence is currently insufficient to determine the role of this variant in disease. Therefore, it has been classified as a Variant of Uncertain Significance.

Ambry Genetics
Classification: Likely pathogenic for Hereditary cancer-predisposing syndrome. Last evaluated: 2025-09-03. Review status: criteria provided, single submitter. Criteria: Ambry Variant Classification Scheme 2023. Collection method: clinical testing. Allele origin: germline.
Comment: The p.L111P variant (also known as c.332T>C), located in coding exon 2 of the RAD51C gene, results from a T to C substitution at nucleotide position 332. The leucine at codon 111 is replaced by proline, an amino acid with similar properties. This amino acid position is well conserved in available vertebrate species. In a homology-directed DNA repair (HDR) assay, this alteration showed a functionally abnormal read-out (Olvera-Le&oacute;n R et al Cell 2024 Oct;187(20):5719-5734.e19). This variant is considered to be rare based on population cohorts in the Genome Aggregation Database (gnomAD). In addition, this alteration is predicted to be deleterious by in silico analysis. Based on the majority of available evidence to date, this variant is likely to be pathogenic.